The following is an entry in ClinVar:

NM_000041.4(APOE):c.546C>A (p.Ala182=)

Gene: APOE (apolipoprotein E; plus strand). Cytogenetic location: 19q13.32.
Variant type: single nucleotide variant.
Coding change: c.546C>A on transcript NM_000041.4 (MANE Select); coding-DNA position 546, C replaced by A.
Protein change: p.Ala182=; no amino-acid change (alanine 182 retained).
Molecular consequence: synonymous variant.
Genome position (GRCh38, 1-based): chr19:44,908,842, C>A. VCF-style: chr19-44908842-C-A. GRCh37 (hg19) VCF-style: chr19-45412099-C-A.
Other names: c.624C>A, p.Ala208= (NM_001302688.2); c.546C>A, p.Ala182= (NM_001302689.2, NM_001302690.2, NM_001302691.2).
Identifiers: ClinVar variation 4821402 (VCV004821402.4).

ClinVar aggregate classification (germline): Likely benign (1 of 4 stars; one submission).

Submission:

CeGaT Center for Human Genetics Tuebingen
Classification: Likely benign. Last evaluated: 2026-01-01. Review status: criteria provided, single submitter. Criteria: CeGaT Center For Human Genetics Tuebingen Variant Classification Criteria Version 2. Collection method: clinical testing. Allele origin: germline. Affected: yes. Observed: 1 variant allele.
Comment: APOE: PM2:Supporting, BP4, BP7